The following is an entry in ClinVar:

NM_006440.5(TXNRD2):c.650C>A (p.Ser217Tyr)

Gene: TXNRD2 (thioredoxin reductase 2; minus strand). Cytogenetic location: 22q11.21.
Variant type: single nucleotide variant.
Coding change: c.650C>A on transcript NM_006440.5 (MANE Select); coding-DNA position 650, C replaced by A.
Protein change: p.Ser217Tyr; replaces serine 217 with tyrosine.
Molecular consequence: missense variant. On other transcripts: non-coding transcript variant (1).
Genome position (GRCh38, 1-based): chr22:19,911,389, G>T on the plus strand (C>A on the coding strand, the complement: TXNRD2 is on the minus strand). VCF-style: chr22-19911389-G-T. GRCh37 (hg19) VCF-style: chr22-19898912-G-T.
Other names: c.650C>A, p.Ser217Tyr (NM_001282512.3); c.647C>A, p.Ser216Tyr (NM_001352300.2); c.560C>A, p.Ser187Tyr (NM_001352301.2); c.362C>A, p.Ser121Tyr (NM_001352302.2); c.554C>A, p.Ser185Tyr (NM_001352303.2); short protein forms S217Y, S187Y, S216Y, S185Y, S121Y.
Identifiers: ClinVar variation 454286 (VCV000454286.20), dbSNP rs201913959, ClinGen allele CA10104080.

ClinVar aggregate classification (germline): Conflicting classifications of pathogenicity. Review status: criteria provided, conflicting classifications (1 of 4 stars). 4 submissions from 4 submitters: Uncertain significance (3); Likely benign (1). Last evaluated 2026-02-03.

Conditions:
Glucocorticoid deficiency 5. Identifiers: MedGen C4540522, MONDO:0040502, OMIM 617825.
Cardiovascular phenotype. Identifiers: MedGen CN230736.
Primary dilated cardiomyopathy (DCM). Also called: Dilated Cardiomyopathy. Identifiers: Orphanet 217604, MedGen C0007193, MeSH D002311, MONDO:0005021, HP:0001644. Inheritance: Various modes of inheritance.

Allele frequency attached by ClinVar (database versions not stated): gnomAD exomes 0.00002 and 0.00008; ExAC 0.00009; TOPMed 0.00029; ESP Exome Variant Server 0.00033; gnomAD 0.00035 and 0.00036; 1000 Genomes Project 30x 0.00047; 1000 Genomes Project 0.00060.
gnomAD v4.1: 89 of 1,613,914 alleles (0.0055%); highest among the groups gnomAD compares: African/African-American, 0.1%; no homozygotes.

Submissions (4):

Labcorp Genetics (formerly Invitae), Labcorp
Classification: Likely benign for Primary dilated cardiomyopathy. Last evaluated: 2026-02-03. Review status: criteria provided, single submitter. Criteria: Invitae Variant Classification Sherloc (09022015). Collection method: clinical testing. Allele origin: germline.

Ambry Genetics
Classification: Uncertain significance for Cardiovascular phenotype. Last evaluated: 2025-09-01. Review status: criteria provided, single submitter. Criteria: Ambry Variant Classification Scheme 2023. Collection method: clinical testing. Allele origin: germline.

GeneDx
Classification: Uncertain significance. Last evaluated: 2024-06-24. Review status: criteria provided, single submitter. Criteria: GeneDx Variant Classification Process June 2021. Collection method: clinical testing. Allele origin: germline. Affected: yes.
Comment: Has not been previously published as pathogenic or benign to our knowledge; In silico analysis supports that this missense variant has a deleterious effect on protein structure/function

Center for Genomics, Ann and Robert H. Lurie Children's Hospital of Chicago
Classification: Uncertain significance for Glucocorticoid deficiency 5. Last evaluated: 2021-03-30. Review status: criteria provided, single submitter. Criteria: ACMG Guidelines, 2015. Collection method: clinical testing. Allele origin: germline.
Comment: TXNRD2 NM_006440.4 exon 8 p.Ser217Tyr (c.650C>A): This variant has not been reported in the literature and is present in 0.1% (30/24198) of African alleles in the Genome Aggregation Database. This variant is present in ClinVar (Variation ID:454286). Evolutionary conservation and computational predictive tools suggest that this variant may impact the protein. In summary, data on this variant is insufficient for disease classification. Therefore, the clinical significance of this variant is uncertain.